The following is an entry in ClinVar:

NM_001098.3(ACO2):c.1286G>A (p.Arg429Gln)

Gene: ACO2 (aconitase 2; plus strand). Cytogenetic location: 22q13.2.
Variant type: single nucleotide variant.
Coding change: c.1286G>A on transcript NM_001098.3 (MANE Select); coding-DNA position 1286, G replaced by A.
Protein change: p.Arg429Gln; replaces arginine 429 with glutamine.
Molecular consequence: missense variant.
Genome position (GRCh38, 1-based): chr22:41,522,977, G>A. VCF-style: chr22-41522977-G-A. GRCh37 (hg19) VCF-style: chr22-41918981-G-A.
Other names: short protein forms R429Q.
Identifiers: ClinVar variation 1058669 (VCV001058669.9), dbSNP rs779185723, ClinGen allele CA10257590.

ClinVar aggregate classification (germline): Uncertain significance (1 of 4 stars; one submission).

Allele frequency attached by ClinVar (database versions not stated): ExAC 0.00002; gnomAD exomes 0.00002; TOPMed 0.00003; gnomAD 0.00005 and 0.00006.
gnomAD v4.1: 35 of 1,614,060 alleles (0.0022%); highest among the groups gnomAD compares: African/African-American, 0.0027%; no homozygotes.

Submission:

Labcorp Genetics (formerly Invitae), Labcorp
Classification: Uncertain significance. Last evaluated: 2024-11-19. Review status: criteria provided, single submitter. Criteria: Invitae Variant Classification Sherloc (09022015). Collection method: clinical testing. Allele origin: germline.
Comment: This sequence change replaces arginine, which is basic and polar, with glutamine, which is neutral and polar, at codon 429 of the ACO2 protein (p.Arg429Gln). This variant is present in population databases (rs779185723, gnomAD 0.004%). This variant has not been reported in the literature in individuals affected with ACO2-related conditions. ClinVar contains an entry for this variant (Variation ID: 1058669). Invitae Evidence Modeling of protein sequence and biophysical properties (such as structural, functional, and spatial information, amino acid conservation, physicochemical variation, residue mobility, and thermodynamic stability) indicates that this missense variant is not expected to disrupt ACO2 protein function with a negative predictive value of 80%. In summary, the available evidence is currently insufficient to determine the role of this variant in disease. Therefore, it has been classified as a Variant of Uncertain Significance.